The following is an entry in ClinVar:

NM_018946.4(NANS):c.940G>A (p.Val314Met)

Genes: NANS (N-acetylneuraminate synthase; plus strand), TRIM14 (tripartite motif containing 14; minus strand). Cytogenetic location: 9q22.33.
Variant type: single nucleotide variant.
Coding change: c.940G>A on transcript NM_018946.4 (MANE Select); coding-DNA position 940, G replaced by A.
Protein change: p.Val314Met; replaces valine 314 with methionine.
Molecular consequence: missense variant.
Genome position (GRCh38, 1-based): chr9:98,082,915, G>A. VCF-style: chr9-98082915-G-A. GRCh37 (hg19) VCF-style: chr9-100845197-G-A.
Other names: c.940G>A (NM_018946.3); short protein forms V314M.
Identifiers: ClinVar variation 1396462 (VCV001396462.6), dbSNP rs757798300, ClinGen allele CA5150449.

ClinVar aggregate classification (germline): Uncertain significance. Review status: criteria provided, multiple submitters, no conflicts (2 of 4 stars). 2 submissions from 2 submitters: Uncertain significance (2). Last evaluated 2023-11-29.

Conditions:
Inborn genetic diseases. Identifiers: MedGen C0950123, MeSH D030342.

Allele frequency attached by ClinVar (database versions not stated): gnomAD exomes 0.00001 and 0.00002; ExAC 0.00002; gnomAD 0.00003; TOPMed 0.00003.
gnomAD v4.1: 20 of 1,614,050 alleles (0.0012%); highest among the groups gnomAD compares: African/African-American, 0.012%; no homozygotes.

Submissions (2):

Ambry Genetics
Classification: Uncertain significance for Inborn genetic diseases. Last evaluated: 2023-11-29. Review status: criteria provided, single submitter. Criteria: Ambry Variant Classification Scheme 2023. Collection method: clinical testing. Allele origin: germline.

Labcorp Genetics (formerly Invitae), Labcorp
Classification: Uncertain significance. Last evaluated: 2021-09-24. Review status: criteria provided, single submitter. Criteria: Invitae Variant Classification Sherloc (09022015). Collection method: clinical testing. Allele origin: germline.
Comment: This sequence change replaces valine with methionine at codon 314 of the NANS protein (p.Val314Met). The valine residue is highly conserved and there is a small physicochemical difference between valine and methionine. This variant is present in population databases (rs757798300, ExAC 0.02%). This variant has not been reported in the literature in individuals with NANS-related disease. Algorithms developed to predict the effect of missense changes on protein structure and function do not agree on the potential impact of this missense change (SIFT: "Deleterious"; PolyPhen-2: "Possibly Damaging"; Align-GVGD: "Class C0"). In summary, the available evidence is currently insufficient to determine the role of this variant in disease. Therefore, it has been classified as a Variant of Uncertain Significance.